The following is an entry in ClinVar:

ClinVar aggregate classification (germline): Uncertain significance (1 of 4 stars; one submission).

Conditions:
Developmental and epileptic encephalopathy, 12 (DEE12). Identifiers: MedGen C3150988, MONDO:0013389, OMIM 613722.

Allele frequency attached by ClinVar (database versions not stated): ExAC 0.00001.
gnomAD v4.1: 4 of 1,613,372 alleles (0.00025%); highest among the groups gnomAD compares: South Asian, 0.0033%; no homozygotes.

Submission:

Labcorp Genetics (formerly Invitae), Labcorp
Classification: Uncertain significance for Developmental and epileptic encephalopathy, 12. Last evaluated: 2023-12-11. Review status: criteria provided, single submitter. Criteria: Invitae Variant Classification Sherloc (09022015). Collection method: clinical testing. Allele origin: germline.
Comment: This sequence change replaces glycine, which is neutral and non-polar, with valine, which is neutral and non-polar, at codon 244 of the PNKP protein (p.Gly244Val). This variant is present in population databases (rs777786941, gnomAD 0.003%). This variant has not been reported in the literature in individuals affected with PNKP-related conditions. ClinVar contains an entry for this variant (Variation ID: 2418492). Advanced modeling of protein sequence and biophysical properties (such as structural, functional, and spatial information, amino acid conservation, physicochemical variation, residue mobility, and thermodynamic stability) performed at Invitae indicates that this missense variant is expected to disrupt PNKP protein function with a positive predictive value of 80%. In summary, the available evidence is currently insufficient to determine the role of this variant in disease. Therefore, it has been classified as a Variant of Uncertain Significance.

NM_007254.4(PNKP):c.731G>T (p.Gly244Val)

Gene: PNKP (polynucleotide kinase 3'-phosphatase; minus strand). Cytogenetic location: 19q13.33.
Variant type: single nucleotide variant.
Coding change: c.731G>T on transcript NM_007254.4 (MANE Select); coding-DNA position 731, G replaced by T.
Protein change: p.Gly244Val; replaces glycine 244 with valine.
Molecular consequence: missense variant.
Genome position (GRCh38, 1-based): chr19:49,863,977, C>A on the plus strand (G>T on the coding strand, the complement: PNKP is on the minus strand). VCF-style: chr19-49863977-C-A. GRCh37 (hg19) VCF-style: chr19-50367234-C-A.
Other names: short protein forms G244V.
Identifiers: ClinVar variation 2418492 (VCV002418492.8), dbSNP rs777786941, ClinGen allele CA9586819.